The following is an entry in ClinVar:

ClinVar aggregate classification (germline): Conflicting classifications of pathogenicity. Review status: criteria provided, conflicting classifications (1 of 4 stars). 15 submissions from 14 submitters: Uncertain significance (4); Likely benign (8). 3 of the submissions do not count toward it. Last evaluated 2026-01-27.

Conditions:
Cardiac arrhythmia. Also called: Arrhythmia; Cardiac rhythm disease. Identifiers: MedGen C0003811, MONDO:0007263, HP:0011675.
Familial long QT syndrome (RWS). Also called: Romano-Ward syndrome; VENTRICULAR FIBRILLATION WITH PROLONGED QT INTERVAL; Congenital long QT syndrome. Identifiers: Orphanet 768, MedGen C1141890, MONDO:0019171.
Cardiovascular phenotype. Identifiers: MedGen CN230736.
Long QT syndrome (LQTS). Identifiers: MedGen C0023976, MeSH D008133, MONDO:0002442. Disease mechanism: loss of function. Inheritance: Various modes of inheritance.
Long QT syndrome 2 (LQT2). Identifiers: Orphanet 101016, Orphanet 768, MedGen C3150943, MONDO:0013367, OMIM 613688.
Long QT syndrome 2/9, digenic (LQT2/9, DIGENIC). Identifiers: MedGen CN315764.

Allele frequency attached by ClinVar (database versions not stated): gnomAD 0.00052 and 0.00056; gnomAD exomes 0.00040; TOPMed 0.00037.
gnomAD v4.1: 795 of 1,524,188 alleles (0.052%); highest among the groups gnomAD compares: Non-Finnish European, 0.058%; 1 homozygote.

Submissions (15):

Labcorp Genetics (formerly Invitae), Labcorp
Classification: Likely benign for Long QT syndrome. Last evaluated: 2026-01-27. Review status: criteria provided, single submitter. Criteria: Invitae Variant Classification Sherloc (09022015). Collection method: clinical testing. Allele origin: germline.

Women's Health and Genetics/Laboratory Corporation of America, LabCorp
Classification: Likely benign. Last evaluated: 2025-11-19. Review status: criteria provided, single submitter. Criteria: LabCorp Variant Classification Summary - May 2015. Collection method: clinical testing. Allele origin: germline.
Comment: Variant summary: KCNH2 c.2738C>T (p.Ala913Val) results in a non-conservative amino acid change in the encoded protein sequence. Algorithms developed to predict the effect of missense changes on protein structure and function all suggest that this variant is likely to be disruptive. The variant allele was found at a frequency of 0.00039 in 121882 control chromosomes, predominantly at a frequency of 0.00077 within the Non-Finnish European subpopulation in the gnomAD database. The observed variant frequency within Non-Finnish European control individuals in the gnomAD database exceeds the estimated maximal expected allele frequency for disease-causing variants in KCNH2. c.2738C>T has been observed in individuals affected with Arrhythmia without strong evidence for causality (Christiansen_2014, Hedley_2013, Hoshi_2015, Kapplinger_2009, Lieve_2013, Mullally_2013, Trolle_2013, Van Driest_2016). Co-occurrence with a known CAV3 mutation, T78M, along with another KCNH2 variant, S654V has been observed in one family lacking cosegregation of this variant (Hoshi_2015). These data do not allow any conclusion about variant significance. At least one publication reports experimental evidence evaluating an impact on protein function (Hoshi_2015). The most pronounced variant effect results in >50%-90% of normal activity. ClinVar contains an entry for this variant (Variation ID: 14443). Based on the evidence outlined above, the variant was classified as likely benign.

CeGaT Center for Human Genetics Tuebingen
Classification: Likely benign. Last evaluated: 2025-10-01. Review status: criteria provided, single submitter. Criteria: CeGaT Center For Human Genetics Tuebingen Variant Classification Criteria Version 2. Collection method: clinical testing. Allele origin: germline. Affected: yes. Observed: 2 variant alleles.
Comment: KCNH2: BS1

Mayo Clinic Laboratories, Mayo Clinic
Classification: Likely benign. Last evaluated: 2025-03-19. Review status: criteria provided, single submitter. Criteria: ACMG Guidelines, 2015. Collection method: clinical testing. Allele origin: germline. Observed: 5 variant alleles.
Comment: BS1

Blueprint Genetics
Classification: Likely benign. Last evaluated: 2024-11-08. Review status: criteria provided, single submitter. Criteria: ACMG Guidelines, 2015. Collection method: clinical testing. Allele origin: germline.

Ambry Genetics
Classification: Likely benign for Cardiovascular phenotype. Last evaluated: 2023-06-02. Review status: criteria provided, single submitter. Criteria: Ambry Variant Classification Scheme 2023. Collection method: clinical testing. Allele origin: germline.

Illumina Laboratory Services, Illumina
Classification: Uncertain significance for Long QT syndrome 2. Last evaluated: 2023-05-02. Review status: criteria provided, single submitter. Criteria: ICSLVariantClassificationCriteria RUGD 01 April 2020. Collection method: clinical testing. Allele origin: unknown.
Comment: The KCNH2 c.2738C>T (p.Ala913Val) is a missense variant that has been reported in seven studies in which it is found in a heterozygous state in a total of eleven individuals with either confirmed or suspected long QT syndrome (Tester et al. 2005; Vatta et al. 2006; Kapplinger et al. 2009; Lieve et al. 2013; Trolle et al. 2013; Christiansen et al. 2014; Webster et al. 2019). This individual's unaffected father and unaffected sibling also carried the p.Ala913Val variant in a heterozygous state (Hoshi et al. 2015). An individual with atrial fibrillation and mitral valve regurgitation was also reported to be heterozygous for the variant (Gregers et al. 2017). The p.Ala913Val variant was absent from 2,964 control chromosomes (Kapplinger et al. 2009; Christiansen et al. 2014) but is reported at a frequency of 0.002390 in the European (Finnish) population of the Genome Aggregation Database, which includes one homozygote. When the KCNH2 protein bearing the p.Ala913Val variant was expressed in HEK293 cells, electrophysiological measurements showed that there was a 37% reduction in the tail current when compared to wildtype protein. The authors stated that this variant alone was not sufficient to cause long QT syndrome (Hoshi et al. 2015). Gregers et al. (2017) performed similar studies indicating that the variant resulted in a mild gain of function rather than a loss of function. Based on the collective evidence and the application of ACMG criteria, the p.Ala913Val variant is classified as a variant of uncertain significance for long QT syndrome.

ARUP Laboratories, Molecular Genetics and Genomics, ARUP Laboratories
Classification: Uncertain significance. Last evaluated: 2021-01-20. Review status: criteria provided, single submitter. Criteria: ARUP Molecular Germline Variant Investigation Process 2021. Collection method: clinical testing. Allele origin: germline.
Comment: The KCNH2 c.2738C>T; p.Ala913Val variant (rs77331749) is reported in the literature in several individuals affected with long QT syndrome (Hoshi 2015, Kapplinger 2009, Tester 2005, Vatta 2006). This variant is found in the Finnish European population with an overall allele frequency of 0.24% (22/9204 alleles, including one homozygote) in the Genome Aggregation Database. The alanine at codon 913 is moderately conserved, and computational analyses are uncertain whether this variant is neutral or deleterious (REVEL: 0.502). Functional studies indicate a modestly reduced current of the variant protein compared to wildtype, although it is uncertain if this difference is clinically significant (Hoshi 2015). Although the population frequency of this variant is inconsistent with disease, since a low penetrance effect cannot be ruled out, the clinical significance of the p.Ala913Val variant is uncertain at this time. References: Hoshi M et al. Polygenic Case of Long QT Syndrome Confirmed through Functional Characterization Informs the Interpretation of Genetic Screening Results. HeartRhythm Case Rep. 2015 Jul 1;1(4):201-205. Kapplinger JD et al. Spectrum and prevalence of mutations from the first 2,500 consecutive unrelated patients referred for the FAMILION long QT syndrome genetic test. Heart Rhythm. 2009 Sep;6(9):1297-303. Tester DJ et al. Compendium of cardiac channel mutations in 541 consecutive unrelated patients referred for long QT syndrome genetic testing. Heart Rhythm. 2005 May;2(5):507-17. Vatta M et al. Mutant caveolin-3 induces persistent late sodium current and is associated with long-QT syndrome. Circulation. 2006 Nov 14;114(20):2104-12.

GeneDx
Classification: Likely benign. Last evaluated: 2020-12-08. Review status: criteria provided, single submitter. Criteria: GeneDx Variant Classification Process June 2021. Collection method: clinical testing. Allele origin: germline. Affected: yes.
Comment: In silico analysis, which includes protein predictors and evolutionary conservation, supports that this variant does not alter protein structure/function; Reported in ClinVar with conflicting classifications (ClinVar Variant ID# 14443; Landrum et al., 2016); This variant is associated with the following publications: (PMID: 19716085, 24606995, 22245016, 17060380, 26746457, 30704477, 31395126, 25417810, 26213684, 23936059, 26383259, 15840476, 23631430, 14661677, 16540748, 28416588, 32048431, 31737537)

Color Diagnostics, LLC DBA Color Health
Classification: Likely benign for Arrhythmia. Last evaluated: 2018-04-14. Review status: criteria provided, single submitter. Criteria: ACMG Guidelines, 2015. Collection method: clinical testing. Allele origin: germline.

MVZ Martinsried, Medicover Genetics
Classification: Uncertain significance for Long QT syndrome 2. Last evaluated: 2017-11-15. Review status: criteria provided, single submitter. Criteria: ACMG Guidelines, 2015. Collection method: clinical testing. Allele origin: unknown. Affected: yes.

Molecular Diagnostic Laboratory for Inherited Cardiovascular Disease, Montreal Heart Institute
Classification: Uncertain significance for Familial long QT syndrome. Last evaluated: 2017-01-27. Review status: criteria provided, single submitter. Criteria: ACMG Guidelines, 2015. Collection method: clinical testing. Allele origin: germline. Affected: yes.

OMIM
Classification: Pathogenic for LONG QT SYNDROME 2. Last evaluated: 2006-11-14. Review status: no assertion criteria provided. Collection method: literature only. Allele origin: germline. Not counted in ClinVar's aggregate classification.

OMIM
Classification: Pathogenic for LONG QT SYNDROME 2/9, DIGENIC. Last evaluated: 2006-11-14. Review status: no assertion criteria provided. Collection method: literature only. Allele origin: germline. Not counted in ClinVar's aggregate classification.

Cardiovascular Biomedical Research Unit, Royal Brompton & Harefield NHS Foundation Trust
No classification provided. Condition: Familial long QT syndrome. Review status: no classification provided. Collection method: literature only. Allele origin: germline. Not counted in ClinVar's aggregate classification.
Comment: This variant has been reported as associated with Long QT syndrome in the following publications (PMID:15840476;PMID:19716085). This is a literature report, and does not necessarily reflect the clinical interpretation of the Imperial College / Royal Brompton Cardiovascular Genetics laboratory.

Literature cited by the submitters: PubMed 15840476 (cited by 3 submitters); PubMed 17060380 (cited by Women's Health and Genetics/Laboratory Corporation of America, LabCorp and OMIM); PubMed 19716085 (cited by Women's Health and Genetics/Laboratory Corporation of America, LabCorp and Cardiovascular Biomedical Research Unit, Royal Brompton & Harefield NHS Foundation Trust); PubMed 14661677 (cited by Women's Health and Genetics/Laboratory Corporation of America, LabCorp); PubMed 23631430 (cited by Women's Health and Genetics/Laboratory Corporation of America, LabCorp); PubMed 24606995 (cited by Women's Health and Genetics/Laboratory Corporation of America, LabCorp); PubMed 24021552 (cited by Women's Health and Genetics/Laboratory Corporation of America, LabCorp); PubMed 19862833 (cited by Women's Health and Genetics/Laboratory Corporation of America, LabCorp); PubMed 25417810 (cited by Women's Health and Genetics/Laboratory Corporation of America, LabCorp); PubMed 23139254 (cited by Women's Health and Genetics/Laboratory Corporation of America, LabCorp); PubMed 26213684 (cited by Women's Health and Genetics/Laboratory Corporation of America, LabCorp); PubMed 25967940 (cited by Women's Health and Genetics/Laboratory Corporation of America, LabCorp); PubMed 23174487 (cited by Women's Health and Genetics/Laboratory Corporation of America, LabCorp); PubMed 23936059 (cited by Women's Health and Genetics/Laboratory Corporation of America, LabCorp); PubMed 26746457 (cited by Women's Health and Genetics/Laboratory Corporation of America, LabCorp); PubMed 22581653 (cited by Cardiovascular Biomedical Research Unit, Royal Brompton & Harefield NHS Foundation Trust).

NM_000238.4(KCNH2):c.2738C>T (p.Ala913Val)

Gene: KCNH2 (potassium voltage-gated channel subfamily H member 2; minus strand). Cytogenetic location: 7q36.1.
Variant type: single nucleotide variant.
Coding change: c.2738C>T on transcript NM_000238.4 (MANE Select); coding-DNA position 2738, C replaced by T.
Protein change: p.Ala913Val; replaces alanine 913 with valine.
Molecular consequence: missense variant.
Genome position (GRCh38, 1-based): chr7:150,947,833, G>A on the plus strand (C>T on the coding strand, the complement: KCNH2 is on the minus strand). VCF-style: chr7-150947833-G-A. GRCh37 (hg19) VCF-style: chr7-150644921-G-A.
Other names: R913V; p.A913V:GCG>GTG; c.2450C>T, p.Ala817Val (NM_001406753.1); c.1718C>T, p.Ala573Val (NM_172057.3); c.2738C>T (LRG_288t1); short protein forms A573V, A913V, A817V.
Identifiers: ClinVar variation 14443 (VCV000014443.65), dbSNP rs77331749, ClinGen allele CA007260.
Genomic context (GRCh38, chr7:150,947,833, plus strand): 5'-CTGGACGGGCTCTCCCCCCACGGCCCCCCCGGCCGGCCCCGGCTACTCGGCCCTGCCCCC[G>A]CCCGGCCCGGCCCCAAGGCCGACACCTCCCCTGGCTGCTCCGTGTCTGTGGGAAACAGAG-3'
Protein context (NP_000229.1, residues 903-923): GEVSALGPGR[Ala913Val]GAGPSSRGRP